The following is an entry in ClinVar:

ClinVar aggregate classification (germline): Conflicting classifications of pathogenicity. Review status: criteria provided, conflicting classifications (1 of 4 stars). 4 submissions from 4 submitters: Uncertain significance (3); Likely benign (1). Last evaluated 2024-06-24.

Conditions:
Inborn genetic diseases. Identifiers: MedGen C0950123, MeSH D030342.
CHARGE syndrome (CHARGE). Also called: Hittner Hirsch Kreh syndrome; Coloboma, heart anomaly, choanal atresia, retardation, genital and ear anomalies; CHARGE association; Hall-Hittner syndrome; CHARGE ASSOCIATION--COLOBOMA, HEART ANOMALY, CHOANAL ATRESIA, RETARDATION, GENITAL AND EAR ANOMALIES. Identifiers: Orphanet 138, MedGen C0265354, MONDO:0008965.

Allele frequency attached by ClinVar (database versions not stated): gnomAD exomes below 0.00001; gnomAD 0.00001 and 0.00002; TOPMed 0.00002.

Submissions (4):

Labcorp Genetics (formerly Invitae), Labcorp
Classification: Uncertain significance for CHARGE syndrome. Last evaluated: 2024-06-24. Review status: criteria provided, single submitter. Criteria: Invitae Variant Classification Sherloc (09022015). Collection method: clinical testing. Allele origin: germline.
Comment: This sequence change replaces methionine, which is neutral and non-polar, with valine, which is neutral and non-polar, at codon 1163 of the CHD7 protein (p.Met1163Val). This variant is present in population databases (no rsID available, gnomAD 0.0009%). This variant has not been reported in the literature in individuals affected with CHD7-related conditions. ClinVar contains an entry for this variant (Variation ID: 290692). Advanced modeling of protein sequence and biophysical properties (such as structural, functional, and spatial information, amino acid conservation, physicochemical variation, residue mobility, and thermodynamic stability) performed at Invitae indicates that this missense variant is not expected to disrupt CHD7 protein function with a negative predictive value of 80%. In summary, the available evidence is currently insufficient to determine the role of this variant in disease. Therefore, it has been classified as a Variant of Uncertain Significance.

Ambry Genetics
Classification: Uncertain significance for Inborn genetic diseases. Last evaluated: 2023-12-18. Review status: criteria provided, single submitter. Criteria: Ambry Variant Classification Scheme 2023. Collection method: clinical testing. Allele origin: germline.

GeneDx
Classification: Uncertain significance. Last evaluated: 2022-05-10. Review status: criteria provided, single submitter. Criteria: GeneDx Variant Classification Process June 2021. Collection method: clinical testing. Allele origin: germline. Affected: yes.
Comment: In silico analysis supports that this missense variant does not alter protein structure/function; Has not been previously published as pathogenic or benign to our knowledge; Not observed at significant frequency in large population cohorts (gnomAD)

Eurofins Ntd Llc (ga)
Classification: Likely benign. Last evaluated: 2016-09-09. Review status: criteria provided, single submitter. Criteria: EGL Classification Definitions 2015. Collection method: clinical testing. Allele origin: germline. Observed: 2 variant alleles, 2 heterozygotes.

NM_017780.4(CHD7):c.3487A>G (p.Met1163Val)

Gene: CHD7 (chromodomain helicase DNA binding protein 7; plus strand). Cytogenetic location: 8q12.2.
Variant type: single nucleotide variant.
Coding change: c.3487A>G on transcript NM_017780.4 (MANE Select); coding-DNA position 3487, A replaced by G.
Protein change: p.Met1163Val; replaces methionine 1163 with valine.
Molecular consequence: missense variant. On other transcripts: intron variant (1).
Genome position (GRCh38, 1-based): chr8:60,828,771, A>G. VCF-style: chr8-60828771-A-G. GRCh37 (hg19) VCF-style: chr8-61741330-A-G.
Other names: c.1717-33458A>G (NM_001316690.1); c.3487A>G (NM_017780.3); short protein forms M1163V.
Identifiers: ClinVar variation 290692 (VCV000290692.12), dbSNP rs886044534, ClinGen allele CA10606878.